The following is an entry in ClinVar:

NM_012471.3(TRPC5):c.717C>T (p.Ala239=)

Gene: TRPC5 (transient receptor potential cation channel subfamily C member 5; minus strand). Cytogenetic location: Xq23.
Variant type: single nucleotide variant.
Coding change: c.717C>T on transcript NM_012471.3 (MANE Select); coding-DNA position 717, C replaced by T.
Protein change: p.Ala239=; no amino-acid change (alanine 239 retained).
Molecular consequence: synonymous variant.
Genome position (GRCh38, 1-based): chrX:111,912,474, G>A on the plus strand (C>T on the coding strand, the complement: TRPC5 is on the minus strand). VCF-style: chrX-111912474-G-A. GRCh37 (hg19) VCF-style: chrX-111155702-G-A.
Identifiers: ClinVar variation 3036606 (VCV003036606.2), dbSNP rs370740061, ClinGen allele CA10494388.
Genomic context (GRCh38, chrX:111,912,474, plus strand): 5'-AGCTTGGTCCAGCAGGTCTTTGGCAAAGAGCTTGCACTGCTGAGAGAGCTCCTCATACTC[G>A]GCCTTGAACTCATTCTCCACCTTGCTGAGCTCCTTGAGCTCCCAGCCCAGACGGAAGGCA-3'
Protein context (NP_036603.1, residues 229-249): ELSKVENEFK[Ala239=]EYEELSQQCK

ClinVar aggregate classification (germline): Likely benign (0 of 4 stars; one submission).

Conditions:
TRPC5-related disorder. Also called: TRPC5-related condition.

Allele frequency attached by ClinVar (database versions not stated): ExAC 0.00018; ESP Exome Variant Server 0.00019.
gnomAD v4.1: 109 of 1,209,373 alleles (0.009%); highest among the groups gnomAD compares: African/African-American, 0.011%; no homozygotes.

Submission:

PreventionGenetics, part of Exact Sciences
Classification: Likely benign for TRPC5-related condition. Last evaluated: 2021-10-25. Review status: no assertion criteria provided. Collection method: clinical testing. Allele origin: germline.
Comment: This variant is classified as likely benign based on ACMG/AMP sequence variant interpretation guidelines (Richards et al. 2015 PMID: 25741868, with internal and published modifications).